The following is an entry in ClinVar:

NM_020436.5(SALL4):c.2980G>A (p.Gly994Arg)

Gene: SALL4 (spalt like transcription factor 4; minus strand). Cytogenetic location: 20q13.2.
Variant type: single nucleotide variant.
Coding change: c.2980G>A on transcript NM_020436.5 (MANE Select); coding-DNA position 2980, G replaced by A.
Protein change: p.Gly994Arg; replaces glycine 994 with arginine.
Molecular consequence: missense variant.
Genome position (GRCh38, 1-based): chr20:51,784,447, C>T on the plus strand (G>A on the coding strand, the complement: SALL4 is on the minus strand). VCF-style: chr20-51784447-C-T. GRCh37 (hg19) VCF-style: chr20-50400986-C-T.
Other names: c.1669G>A, p.Gly557Arg (NM_001318031.2); short protein forms G557R, G994R.
Identifiers: ClinVar variation 2894201 (VCV002894201.3), dbSNP rs1322844313, ClinGen allele CA409005919.

ClinVar aggregate classification (germline): Uncertain significance (1 of 4 stars; one submission).

Conditions:
Duane-radial ray syndrome (DRRS). Also called: ACRORENOOCULAR SYNDROME; DR SYNDROME; DUANE ANOMALY WITH RADIAL RAY ABNORMALITIES AND DEAFNESS; Okihiro Syndrome; Duane-Radial Ray Syndrome/Okihiro Syndrome; Duane-Radial Ray Syndrome (DRRS) / Okihiro Syndrome. Identifiers: Orphanet 93293, Orphanet 959, MedGen C1623209, MONDO:0011812, OMIM 607323. Disease mechanism: gain of function.

gnomAD v4.1: 3 of 1,614,206 alleles (0.00019%); highest among the groups gnomAD compares: Admixed American, 0.0033%; no homozygotes.

Submission:

Labcorp Genetics (formerly Invitae), Labcorp
Classification: Uncertain significance for Duane-radial ray syndrome. Last evaluated: 2025-06-12. Review status: criteria provided, single submitter. Criteria: Invitae Variant Classification Sherloc (09022015). Collection method: clinical testing. Allele origin: germline.
Comment: This sequence change replaces glycine, which is neutral and non-polar, with arginine, which is basic and polar, at codon 994 of the SALL4 protein (p.Gly994Arg). This variant is present in population databases (no rsID available, gnomAD 0.006%). This variant has not been reported in the literature in individuals affected with SALL4-related conditions. ClinVar contains an entry for this variant (Variation ID: 2894201). An algorithm developed to predict the effect of missense changes on protein structure and function (PolyPhen-2) suggests that this variant is likely to be disruptive. In summary, the available evidence is currently insufficient to determine the role of this variant in disease. Therefore, it has been classified as a Variant of Uncertain Significance.